The following is an entry in ClinVar:

NM_000238.4(KCNH2):c.2744_2773del (p.Ala915_Gly924del)

Gene: KCNH2 (potassium voltage-gated channel subfamily H member 2; minus strand). Cytogenetic location: 7q36.1.
Variant type: Deletion.
Coding change: c.2744_2773del on transcript NM_000238.4 (MANE Select); coding-DNA positions 2744 to 2773, 30 bases deleted (CAGGGCCGAGTAGCCGGGGCCGGCCGGGGG).
Protein change: p.Ala915_Gly924del.
Molecular consequence: inframe deletion.
Genome position (GRCh38, 1-based): chr7:150,947,798-150,947,827, CCCCCGGCCGGCCCCGGCTACTCGGCCCTG deleted on the plus strand (CAGGGCCGAGTAGCCGGGGCCGGCCGGGGG on the coding strand, the reverse complement: KCNH2 is on the minus strand); deleting any 30 consecutive bases within chr7:150,947,798-150,947,833 gives the same sequence; the c. name uses the placement nearest the transcript's 3' end. VCF-style (leftmost placement, unchanged base first): chr7-150947797-CCCCCCGGCCGGCCCCGGCTACTCGGCCCTG-C. GRCh37 (hg19) VCF-style: chr7-150644885-CCCCCCGGCCGGCCCCGGCTACTCGGCCCTG-C.
Other names: c.1724_1753del, p.Ala575_Gly584del (NM_172057.3).
Identifiers: ClinVar variation 1014318 (VCV001014318.9), dbSNP rs1800969436, ClinGen allele CA1752430297.
Genomic context (GRCh38, chr7:150,947,797, plus strand): 5'-CCCTCATCCTCACTGCTCTCAGGGCTGGAGGGGCCACTGGACGGGCTCTCCCCCCACGGC[CCCCCCGGCCGGCCCCGGCTACTCGGCCCTG>C]CCCCCGCCCGGCCCGGCCCCAAGGCCGACACCTCCCCTGGCTGCTCCGTGTCTGTGGGAA-3'

ClinVar aggregate classification (germline): Uncertain significance. Review status: criteria provided, multiple submitters, no conflicts (2 of 4 stars). 2 submissions from 2 submitters: Uncertain significance (2). Last evaluated 2024-06-10.

Conditions:
Long QT syndrome (LQTS). Identifiers: MedGen C0023976, MeSH D008133, MONDO:0002442. Disease mechanism: loss of function. Inheritance: Various modes of inheritance.

Submissions (2):

Labcorp Genetics (formerly Invitae), Labcorp
Classification: Uncertain significance for Long QT syndrome. Last evaluated: 2024-06-10. Review status: criteria provided, single submitter. Criteria: Invitae Variant Classification Sherloc (09022015). Collection method: clinical testing. Allele origin: germline.
Comment: This variant, c.2744_2773del, results in the deletion of 10 amino acid(s) of the KCNH2 protein (p.Ala915_Gly924del), but otherwise preserves the integrity of the reading frame. This variant is not present in population databases (gnomAD no frequency). This variant has not been reported in the literature in individuals affected with KCNH2-related conditions. ClinVar contains an entry for this variant (Variation ID: 1014318). Experimental studies and prediction algorithms are not available or were not evaluated, and the functional significance of this variant is currently unknown. In summary, the available evidence is currently insufficient to determine the role of this variant in disease. Therefore, it has been classified as a Variant of Uncertain Significance.

All of Us Research Program, National Institutes of Health
Classification: Uncertain significance for Long QT syndrome. Last evaluated: 2023-06-28. Review status: criteria provided, single submitter. Criteria: ACMG Guidelines, 2015. Collection method: clinical testing. Allele origin: germline. Inheritance: Autosomal dominant inheritance. Observed: 1 variant allele, 1 heterozygote.
Comment: This study involves interpretation of variants in research participants for the purpose of population health screening. Participant phenotype was not available at the time of variant classification. Additional details can be found in publication PMID: 35346344, PMCID: PMC8962531